The following is an entry in ClinVar:

ClinVar aggregate classification (germline): Conflicting classifications of pathogenicity. Review status: criteria provided, conflicting classifications (1 of 4 stars). 2 submissions from 2 submitters: Likely pathogenic (1); Uncertain significance (1). Last evaluated 2025-09-16.

Conditions:
Severe early-onset pulmonary alveolar proteinosis due to MARS deficiency. Also called: PULMONARY ALVEOLAR PROTEINOSIS, REUNION ISLAND; Interstitial lung and liver disease. Identifiers: Orphanet 440427, MedGen C4225400, MONDO:0014206, OMIM 615486.
Charcot-Marie-Tooth disease axonal type 2U. Also called: CHARCOT-MARIE-TOOTH NEUROPATHY, TYPE 2U; CHARCOT-MARIE-TOOTH DISEASE, AXONAL, AUTOSOMAL DOMINANT, TYPE 2U. Identifiers: Orphanet 397735, MedGen C4084821, MONDO:0014566, OMIM 616280.

Allele frequency attached by ClinVar (database versions not stated): gnomAD exomes below 0.00001 and 0.00001; TOPMed below 0.00001; ExAC 0.00001; gnomAD 0.00001.
gnomAD v4.1: 11 of 1,614,026 alleles (0.00068%); highest among the groups gnomAD compares: South Asian, 0.0022%; no homozygotes.

Submissions (2):

Labcorp Genetics (formerly Invitae), Labcorp
Classification: Uncertain significance for Charcot-Marie-Tooth disease axonal type 2U; Severe early-onset pulmonary alveolar proteinosis due to MARS deficiency. Last evaluated: 2025-09-16. Review status: criteria provided, single submitter. Criteria: Invitae Variant Classification Sherloc (09022015). Collection method: clinical testing. Allele origin: germline.
Comment: This sequence change replaces arginine, which is basic and polar, with cysteine, which is neutral and slightly polar, at codon 598 of the MARS protein (p.Arg598Cys). This variant is present in population databases (rs764601965, gnomAD 0.003%). This missense change has been observed in individual(s) with MARS-related conditions (PMID: 32833345, 37976411). It has also been observed to segregate with disease in related individuals. ClinVar contains an entry for this variant (Variation ID: 1056553). An algorithm developed to predict the effect of missense changes on protein structure and function (PolyPhen-2) suggests that this variant is likely to be disruptive. In summary, the available evidence is currently insufficient to determine the role of this variant in disease. Therefore, it has been classified as a Variant of Uncertain Significance.

CeGaT Center for Human Genetics Tuebingen
Classification: Likely pathogenic. Last evaluated: 2024-04-01. Review status: criteria provided, single submitter. Criteria: CeGaT Center For Human Genetics Tuebingen Variant Classification Criteria Version 2. Collection method: clinical testing. Allele origin: germline. Affected: yes. Observed: 2 variant alleles.
Comment: MARS1: PM2, PM5, PM3:Supporting, PP1, PP4

Literature cited by the submitters: PubMed 32833345 (cited by Labcorp Genetics (formerly Invitae), Labcorp); PubMed 37976411 (cited by Labcorp Genetics (formerly Invitae), Labcorp).

NM_004990.4(MARS1):c.1792C>T (p.Arg598Cys)

Gene: MARS1 (methionyl-tRNA synthetase 1; plus strand). Cytogenetic location: 12q13.3.
Variant type: single nucleotide variant.
Coding change: c.1792C>T on transcript NM_004990.4 (MANE Select); coding-DNA position 1792, C replaced by T.
Protein change: p.Arg598Cys; replaces arginine 598 with cysteine.
Molecular consequence: missense variant.
Genome position (GRCh38, 1-based): chr12:57,512,789, C>T. VCF-style: chr12-57512789-C-T. GRCh37 (hg19) VCF-style: chr12-57906572-C-T.
Other names: short protein forms R598C.
Identifiers: ClinVar variation 1056553 (VCV001056553.29), dbSNP rs764601965, ClinGen allele CA6650622.